The following is an entry in ClinVar:

NM_020923.3(ZDBF2):c.3727A>G (p.Ile1243Val)

Gene: ZDBF2 (zinc finger DBF-type containing 2; plus strand). Cytogenetic location: 2q33.3.
Variant type: single nucleotide variant.
Coding change: c.3727A>G on transcript NM_020923.3 (MANE Select); coding-DNA position 3727, A replaced by G.
Protein change: p.Ile1243Val; replaces isoleucine 1243 with valine.
Molecular consequence: missense variant.
Genome position (GRCh38, 1-based): chr2:206,308,255, A>G. VCF-style: chr2-206308255-A-G. GRCh37 (hg19) VCF-style: chr2-207172979-A-G.
Other names: c.3721A>G, p.Ile1241Val (NM_001285549.2); c.3727A>G, p.Ile1243Val (NM_001369654.1); short protein forms I1241V, I1243V.
Identifiers: ClinVar variation 1903031 (VCV001903031.5), dbSNP rs1169136665, ClinGen allele CA350059977.

ClinVar aggregate classification (germline): Uncertain significance (1 of 4 stars; one submission).

Allele frequency attached by ClinVar (database versions not stated): gnomAD exomes below 0.00001; gnomAD 0.00001; TOPMed 0.00001.
gnomAD v4.1: 5 of 1,613,790 alleles (0.00031%); highest among the groups gnomAD compares: African/African-American, 0.0027%; no homozygotes.

Submission:

Labcorp Genetics (formerly Invitae), Labcorp
Classification: Uncertain significance. Last evaluated: 2022-01-20. Review status: criteria provided, single submitter. Criteria: Invitae Variant Classification Sherloc (09022015). Collection method: clinical testing. Allele origin: germline.
Comment: This sequence change replaces isoleucine, which is neutral and non-polar, with valine, which is neutral and non-polar, at codon 1243 of the ZDBF2 protein (p.Ile1243Val). In summary, the available evidence is currently insufficient to determine the role of this variant in disease. Therefore, it has been classified as a Variant of Uncertain Significance. Algorithms developed to predict the effect of missense changes on protein structure and function output the following: SIFT: "Tolerated"; PolyPhen-2: "Benign"; Align-GVGD: "Class C0". The valine amino acid residue is found in multiple mammalian species, which suggests that this missense change does not adversely affect protein function. This variant has not been reported in the literature in individuals affected with ZDBF2-related conditions. The frequency data for this variant in the population databases is considered unreliable, as metrics indicate poor data quality at this position in the gnomAD database.